The following is an entry in ClinVar:

NM_001039348.3(EFEMP1):c.1413C>T (p.Ser471=)

Gene: EFEMP1 (EGF-like fibulin extracellular matrix protein 1; minus strand). Cytogenetic location: 2p16.1.
Variant type: single nucleotide variant.
Coding change: c.1413C>T on transcript NM_001039348.3 (MANE Select); coding-DNA position 1413, C replaced by T.
Protein change: p.Ser471=; no amino-acid change (serine 471 retained).
Molecular consequence: synonymous variant.
Genome position (GRCh38, 1-based): chr2:55,867,142, G>A on the plus strand (C>T on the coding strand, the complement: EFEMP1 is on the minus strand). VCF-style: chr2-55867142-G-A. GRCh37 (hg19) VCF-style: chr2-56094277-G-A.
Other names: c.1413C>T, p.Ser471= (NM_001039349.3).
Identifiers: ClinVar variation 194014 (VCV000194014.20), dbSNP rs374690853, ClinGen allele CA239784.

ClinVar aggregate classification (germline): Conflicting classifications of pathogenicity. Review status: criteria provided, conflicting classifications (1 of 4 stars). 5 submissions from 5 submitters: Uncertain significance (1); Benign (1); Likely benign (3). Last evaluated 2025-12-20.

Conditions:
EFEMP1-related disorder. Also called: EFEMP1-related condition.
Doyne honeycomb retinal dystrophy (DHRD). Also called: MALATTIA LEVENTINESE; DRUSEN, RADIAL, AUTOSOMAL DOMINANT; DOYNE HONEYCOMB DEGENERATION OF RETINA. Identifiers: Orphanet 75376, MedGen C1832174, MONDO:0007471, OMIM 126600.

Allele frequency attached by ClinVar (database versions not stated): ESP Exome Variant Server 0.00062; ExAC 0.00016; gnomAD 0.00020 and 0.00024; TOPMed 0.00037.
gnomAD v4.1: 542 of 1,613,748 alleles (0.034%); highest among the groups gnomAD compares: Non-Finnish European, 0.042%; no homozygotes.

Submissions (5):

Labcorp Genetics (formerly Invitae), Labcorp
Classification: Likely benign. Last evaluated: 2025-12-20. Review status: criteria provided, single submitter. Criteria: Invitae Variant Classification Sherloc (09022015). Collection method: clinical testing. Allele origin: germline.

PreventionGenetics, part of Exact Sciences
Classification: Likely benign for EFEMP1-related condition. Last evaluated: 2025-12-16. Review status: criteria provided, single submitter. Criteria: ACMG Guidelines, 2015. Collection method: clinical testing. Allele origin: germline.
Comment: This variant is classified as likely benign based on ACMG/AMP sequence variant interpretation guidelines (Richards et al. 2015 PMID: 25741868, with internal and published modifications).

Blueprint Genetics
Classification: Likely benign. Last evaluated: 2024-11-22. Review status: criteria provided, single submitter. Criteria: ACMG Guidelines, 2015. Collection method: clinical testing. Allele origin: germline.

Illumina Laboratory Services, Illumina
Classification: Benign for Doyne honeycomb retinal dystrophy. Last evaluated: 2018-01-13. Review status: criteria provided, single submitter. Criteria: ICSL Variant Classification Criteria 13 December 2019. Collection method: clinical testing. Allele origin: germline.
Comment: This variant was observed in the ICSL laboratory as part of a predisposition screen in an ostensibly healthy population. It had not been previously curated by ICSL or reported in the Human Gene Mutation Database (HGMD: prior to June 1st, 2018), and was therefore a candidate for classification through an automated scoring system. Utilizing variant allele frequency, disease prevalence and penetrance estimates, and inheritance mode, an automated score was calculated to assess if this variant is too frequent to cause the disease. Based on the score and internal cut-off values, a variant classified as benign is not then subjected to further curation. The score for this variant resulted in a classification of benign for this disease.

Eurofins Ntd Llc (ga)
Classification: Uncertain significance. Last evaluated: 2015-01-22. Review status: criteria provided, single submitter. Criteria: EGL Classification Definitions 2015. Collection method: clinical testing. Allele origin: germline. Observed: 1 variant allele, 1 heterozygote.